The following is an entry in ClinVar:

NM_205834.4(LSR):c.711C>G (p.Cys237Trp)

Gene: LSR (lipolysis stimulated lipoprotein receptor; plus strand). Cytogenetic location: 19q13.12.
Variant type: single nucleotide variant.
Coding change: c.711C>G on transcript NM_205834.4 (MANE Select); coding-DNA position 711, C replaced by G.
Protein change: p.Cys237Trp; replaces cysteine 237 with tryptophan.
Molecular consequence: missense variant. On other transcripts: intron variant (3).
Genome position (GRCh38, 1-based): chr19:35,262,625, C>G. VCF-style: chr19-35262625-C-G. GRCh37 (hg19) VCF-style: chr19-35753528-C-G.
Other names: p.Cys237Trp; c.654C>G, p.Cys218Trp (NM_001260489.2, NM_015925.7); c.574+3561C>G (NM_205835.4, NM_001385215.1); c.455-3734C>G (NM_001260490.2); short protein forms C218W, C237W.
Identifiers: ClinVar variation 5020086 (VCV005020086.1).
Genomic context (GRCh38, chr19:35,262,625, plus strand): 5'-GGTATGCCTGGCTGCCTTCCTCATCTTCCTCCTCCTGGGCATCTGCTGGTGCCAGTGCTG[C>G]CCGCACACTTGCTGCTGCTACGTCAGGTGCCCCTGCTGCCCAGACAAGTGCTGCTGCCCC-3'
Protein context (NP_991403.2, residues 227-247): LLLGICWCQC[Cys237Trp]PHTCCCYVRC

ClinVar aggregate classification (germline): Uncertain significance (1 of 4 stars; one submission).

Conditions:
Cholestasis, progressive familial intrahepatic, 6. Identifiers: MedGen C5561965, MONDO:0030360, OMIM 619484.

Submission:

Department of Medical Genetics, Sanjay Gandhi Post Graduate Institute of Medical Sciences
Classification: Uncertain significance for Cholestasis, progressive familial intrahepatic, 6. Last evaluated: 2026-10-01. Review status: criteria provided, single submitter. Criteria: ACMG Guidelines, 2015. Collection method: clinical testing. Allele origin: germline. Inheritance: Autosomal recessive inheritance. Affected: yes. Observed: 1 variant allele, 1 homozygote.
Comment: This missense variant is rare in population databases (PM2_supporting). In the absence of additional unrelated cases, functional evidence, or stronger segregation data, the current evidence does not meet the threshold for a stronger classification. Accordingly, this variant is best classified at present as a variant of uncertain significance.(VUS)